The following is an entry in ClinVar:

NM_002547.3(OPHN1):c.2135G>A (p.Arg712Gln)

Gene: OPHN1 (oligophrenin 1; minus strand). Cytogenetic location: Xq12.
Variant type: single nucleotide variant.
Coding change: c.2135G>A on transcript NM_002547.3 (MANE Select); coding-DNA position 2135, G replaced by A.
Protein change: p.Arg712Gln; replaces arginine 712 with glutamine.
Molecular consequence: missense variant.
Genome position (GRCh38, 1-based): chrX:68,063,877, C>T on the plus strand (G>A on the coding strand, the complement: OPHN1 is on the minus strand). VCF-style: chrX-68063877-C-T. GRCh37 (hg19) VCF-style: chrX-67283719-C-T.
Other names: short protein forms R712Q.
Identifiers: ClinVar variation 1203077 (VCV001203077.11), dbSNP rs200508660, ClinGen allele CA10436786.

ClinVar aggregate classification (germline): Benign/Likely benign. Review status: criteria provided, multiple submitters, no conflicts (2 of 4 stars). 5 submissions from 5 submitters: Benign (1); Likely benign (4). Last evaluated 2026-04-24.

Conditions:
Inborn genetic diseases. Identifiers: MedGen C0950123, MeSH D030342.
OPHN1-related disorder.

Allele frequency attached by ClinVar (database versions not stated): gnomAD exomes 0.00008 and 0.00020; ExAC 0.00009; ESP Exome Variant Server 0.00009; gnomAD 0.00009 and 0.00010; TOPMed 0.00014.
gnomAD v4.1: 217 of 1,168,876 alleles (0.019%); highest among the groups gnomAD compares: Non-Finnish European, 0.024%; no homozygotes.

Submissions (5):

PreventionGenetics, part of Exact Sciences
Classification: Likely benign for OPHN1-related condition. Last evaluated: 2026-04-24. Review status: criteria provided, single submitter. Criteria: ACMG Guidelines, 2015. Collection method: clinical testing. Allele origin: germline.
Comment: This variant is classified as likely benign based on ACMG/AMP sequence variant interpretation guidelines (Richards et al. 2015 PMID: 25741868, with internal and published modifications).

Labcorp Genetics (formerly Invitae), Labcorp
Classification: Benign. Last evaluated: 2025-12-08. Review status: criteria provided, single submitter. Criteria: Invitae Variant Classification Sherloc (09022015). Collection method: clinical testing. Allele origin: germline.

Blueprint Genetics
Classification: Likely benign. Last evaluated: 2024-05-14. Review status: criteria provided, single submitter. Criteria: ACMG Guidelines, 2015. Collection method: clinical testing. Allele origin: germline.

Ambry Genetics
Classification: Likely benign for Inborn genetic diseases. Last evaluated: 2022-04-13. Review status: criteria provided, single submitter. Criteria: Ambry Variant Classification Scheme 2023. Collection method: clinical testing. Allele origin: germline.

GeneDx
Classification: Likely benign. Last evaluated: 2021-06-11. Review status: criteria provided, single submitter. Criteria: GeneDx Variant Classification Process June 2021. Collection method: clinical testing. Allele origin: germline. Affected: yes.